The following is an entry in ClinVar:

ClinVar aggregate classification (germline): Uncertain significance (1 of 4 stars; one submission).

Submission:

GeneDx
Classification: Uncertain significance. Last evaluated: 2020-02-02. Review status: criteria provided, single submitter. Criteria: GeneDx Variant Classification Process June 2021. Collection method: clinical testing. Allele origin: germline. Affected: yes.
Comment: Not observed in large population cohorts (Lek et al., 2016); In silico analysis supports that this missense variant has a deleterious effect on protein structure/function; Has not been previously published as pathogenic or benign to our knowledge

NM_001256627.2(BRSK2):c.682G>A (p.Val228Met)

Gene: BRSK2 (BR serine/threonine kinase 2; plus strand). Cytogenetic location: 11p15.5.
Variant type: single nucleotide variant.
Coding change: c.682G>A on transcript NM_001256627.2 (MANE Select); coding-DNA position 682, G replaced by A.
Protein change: p.Val228Met; replaces valine 228 with methionine.
Molecular consequence: missense variant. On other transcripts: non-coding transcript variant (1).
Genome position (GRCh38, 1-based): chr11:1,443,537, G>A. VCF-style: chr11-1443537-G-A. GRCh37 (hg19) VCF-style: chr11-1464767-G-A.
Other names: c.682G>A, p.Val228Met (NM_001256629.2, NM_003957.4); c.820G>A, p.Val274Met (NM_001256630.1); c.502G>A, p.Val168Met (NM_001282218.2); short protein forms V168M, V228M, V274M.
Identifiers: ClinVar variation 1315399 (VCV001315399.2), dbSNP rs2133097737, ClinGen allele CA379059515.
Genomic context (GRCh38, chr11:1,443,537, plus strand): 5'-GGCCGCCCGCAGGGGGCTCTGCCCTTCGACGATGACAACTTGCGACAGCTGCTGGAGAAG[G>A]TGAAGCGGGGCGTGTTCCACATGCCGCACTTTATCCCGCCCGACTGCCAGAGTCTGCTAC-3'
Protein context (NP_001243556.1, residues 218-238): DDNLRQLLEK[Val228Met]KRGVFHMPHF